The following is an entry in ClinVar:

ClinVar aggregate classification (germline): Conflicting classifications of pathogenicity. Review status: criteria provided, conflicting classifications (1 of 4 stars). 3 submissions from 3 submitters: Uncertain significance (2); Likely benign (1). Last evaluated 2025-06-26.

Conditions:
Carnitine palmitoyl transferase 1A deficiency. Also called: Carnitine palmitoyltransferase type I deficiency; CPT deficiency, hepatic, type IA; Carnitine palmitoyltransferase 1A deficiency; CPT I DEFICIENCY; CPT DEFICIENCY, HEPATIC, TYPE I. Identifiers: Orphanet 156, MedGen C1829703, MONDO:0009705, OMIM 255120.

Allele frequency attached by ClinVar (database versions not stated): gnomAD exomes 0.00001; ExAC 0.00002; gnomAD 0.00002; TOPMed 0.00004; ESP Exome Variant Server 0.00015.
gnomAD v4.1: 18 of 1,614,018 alleles (0.0011%); highest among the groups gnomAD compares: African/African-American, 0.0053%; no homozygotes.

Submissions (3):

Labcorp Genetics (formerly Invitae), Labcorp
Classification: Likely benign for Carnitine palmitoyl transferase 1A deficiency. Last evaluated: 2025-06-26. Review status: criteria provided, single submitter. Criteria: Invitae Variant Classification Sherloc (09022015). Collection method: clinical testing. Allele origin: germline.

Fulgent Genetics
Classification: Uncertain significance for Carnitine palmitoyl transferase 1A deficiency. Last evaluated: 2024-01-07. Review status: criteria provided, single submitter. Criteria: ACMG Guidelines, 2015. Collection method: clinical testing. Allele origin: germline.

GeneDx
Classification: Uncertain significance. Last evaluated: 2023-04-18. Review status: criteria provided, single submitter. Criteria: GeneDx Variant Classification Process June 2021. Collection method: clinical testing. Allele origin: germline. Affected: yes.
Comment: Not observed at significant frequency in large population cohorts (gnomAD); In silico analysis supports that this missense variant does not alter protein structure/function; Has not been previously published as pathogenic or benign to our knowledge

NM_001876.4(CPT1A):c.65G>A (p.Arg22Gln)

Gene: CPT1A (carnitine palmitoyltransferase 1A; minus strand). Cytogenetic location: 11q13.3.
Variant type: single nucleotide variant.
Coding change: c.65G>A on transcript NM_001876.4 (MANE Select); coding-DNA position 65, G replaced by A.
Protein change: p.Arg22Gln; replaces arginine 22 with glutamine.
Molecular consequence: missense variant.
Genome position (GRCh38, 1-based): chr11:68,815,410, C>T on the plus strand (G>A on the coding strand, the complement: CPT1A is on the minus strand). VCF-style: chr11-68815410-C-T. GRCh37 (hg19) VCF-style: chr11-68582878-C-T.
Other names: c.65G>A, p.Arg22Gln (NM_001031847.3); c.65G>A (NM_001876.3); short protein forms R22Q.
Identifiers: ClinVar variation 2158738 (VCV002158738.6), dbSNP rs141658962, ClinGen allele CA6152794.
Genomic context (GRCh38, chr11:68,815,410, plus strand): 5'-TTCTTTTTCCAGGAATGAAGTCCAGAGAGATAGATTTGTCTAAGAGCTTCATGGCTCAGC[C>T]GCAGGTCAATCCCGTCCGGAGTGACCGTGAACTGAAAGGCCACAGCTTGGTGAGCTTCTG-3'
Protein context (NP_001867.2, residues 12-32): FTVTPDGIDL[Arg22Gln]LSHEALRQIY